The following is an entry in ClinVar:

ClinVar aggregate classification (germline): Uncertain significance (1 of 4 stars; one submission).

Allele frequency attached by ClinVar (database versions not stated): gnomAD exomes below 0.00001.
gnomAD v4.1: 2 of 1,585,152 alleles (0.00013%); highest among the groups gnomAD compares: Non-Finnish European, 0.00017%; no homozygotes.

Submission:

GeneDx
Classification: Uncertain significance. Last evaluated: 2020-02-17. Review status: criteria provided, single submitter. Criteria: GeneDx Variant Classification Process June 2021. Collection method: clinical testing. Allele origin: germline. Affected: yes.
Comment: Not observed in large population cohorts (Lek et al., 2016); Has not been previously published as pathogenic or benign to our knowledge; In silico analysis supports that this missense variant does not alter protein structure/function

NM_182931.3(KMT2E):c.598G>A (p.Val200Met)

Gene: KMT2E (lysine methyltransferase 2E (inactive); plus strand). Cytogenetic location: 7q22.3.
Variant type: single nucleotide variant.
Coding change: c.598G>A on transcript NM_182931.3 (MANE Select); coding-DNA position 598, G replaced by A.
Protein change: p.Val200Met; replaces valine 200 with methionine.
Molecular consequence: missense variant.
Genome position (GRCh38, 1-based): chr7:105,074,684, G>A. VCF-style: chr7-105074684-G-A. GRCh37 (hg19) VCF-style: chr7-104715131-G-A.
Other names: c.598G>A, p.Val200Met (NM_018682.4); short protein forms V200M.
Identifiers: ClinVar variation 1217051 (VCV001217051.3), dbSNP rs2129567970, ClinGen allele CA368775847.